The following is an entry in ClinVar:

NM_001035.3(RYR2):c.11120G>A (p.Gly3707Asp)

Gene: RYR2 (ryanodine receptor 2; plus strand). Cytogenetic location: 1q43.
Variant type: single nucleotide variant.
Coding change: c.11120G>A on transcript NM_001035.3 (MANE Select); coding-DNA position 11120, G replaced by A.
Protein change: p.Gly3707Asp; replaces glycine 3707 with aspartic acid.
Molecular consequence: missense variant.
Genome position (GRCh38, 1-based): chr1:237,742,324, G>A. VCF-style: chr1-237742324-G-A. GRCh37 (hg19) VCF-style: chr1-237905624-G-A.
Other names: short protein forms G3707D.
Identifiers: ClinVar variation 924173 (VCV000924173.13), dbSNP rs755613281, ClinGen allele CA345422145.

ClinVar aggregate classification (germline): Conflicting classifications of pathogenicity. Review status: criteria provided, conflicting classifications (1 of 4 stars). 3 submissions from 3 submitters: Uncertain significance (2); Likely benign (1). Last evaluated 2024-07-20.

Conditions:
Catecholaminergic polymorphic ventricular tachycardia (CVPT). Also called: Catecholamine-induced polymorphic ventricular tachycardia. Identifiers: Orphanet 3286, MedGen C5574922, MONDO:0017990.
Cardiomyopathy (CMYO). Also called: Cardiomyopathies. Identifiers: Orphanet 167848, MedGen C0878544, MONDO:0004994, HP:0001638. Inheritance: Various modes of inheritance.
Catecholaminergic polymorphic ventricular tachycardia 1. Also called: VENTRICULAR TACHYCARDIA, CATECHOLAMINERGIC POLYMORPHIC, 1, WITH OR WITHOUT ATRIAL DYSFUNCTION AND/OR DILATED CARDIOMYOPATHY; RYR2-Related Catecholaminergic Polymorphic Ventricular Tachycardia; VENTRICULAR TACHYCARDIA, STRESS-INDUCED POLYMORPHIC 1. Identifiers: Orphanet 3286, MedGen C1631597, MONDO:0011484, OMIM 604772.

Allele frequency attached by ClinVar (database versions not stated): TOPMed below 0.00001.
gnomAD v4.1: 6 of 1,566,804 alleles (0.00038%); highest among the groups gnomAD compares: East Asian, 0.0046%; no homozygotes.

Submissions (3):

All of Us Research Program, National Institutes of Health
Classification: Uncertain significance for Catecholaminergic polymorphic ventricular tachycardia. Last evaluated: 2024-07-20. Review status: criteria provided, single submitter. Criteria: ACMG Guidelines, 2015. Collection method: clinical testing. Allele origin: germline. Inheritance: Autosomal dominant inheritance. Observed: 1 variant allele, 1 heterozygote.
Comment: Variant of Uncertain Significance due to insufficient evidence: This missense variant replaces glycine with aspartic acid at codon 3707 of the RYR2 protein. Computational prediction tools and conservation analyses are inconclusive regarding the impact of this variant on the protein function. Computational splicing tools suggest that this variant may not impact RNA splicing. To our knowledge, functional assays have not been performed for this variant nor has this variant been reported in individuals affected with cardiovascular disorders in the literature. This variant is rare in the general population and has been identified in 0/277264 chromosomes by the Genome Aggregation Database (gnomAD). Available evidence is insufficient to determine the role of this variant in disease conclusively.

This study involves interpretation of variants in research participants for the purpose of population health screening. Participant phenotype was not available at the time of variant classification. Additional details can be found in publication PMID: 35346344, PMCID: PMC8962531

Color Diagnostics, LLC DBA Color Health
Classification: Uncertain significance for Cardiomyopathy. Last evaluated: 2023-12-04. Review status: criteria provided, single submitter. Criteria: ACMG Guidelines, 2015. Collection method: clinical testing. Allele origin: germline.
Comment: Variant of Uncertain Significance due to insufficient evidence: This missense variant replaces glycine with aspartic acid at codon 3707 of the RYR2 protein. Computational prediction tools and conservation analyses are inconclusive regarding the impact of this variant on the protein function. Computational splicing tools suggest that this variant may not impact RNA splicing. To our knowledge, functional assays have not been performed for this variant nor has this variant been reported in individuals affected with cardiovascular disorders in the literature. This variant is rare in the general population and has been identified in 0/277264 chromosomes by the Genome Aggregation Database (gnomAD). Available evidence is insufficient to determine the role of this variant in disease conclusively.

Labcorp Genetics (formerly Invitae), Labcorp
Classification: Likely benign for Catecholaminergic polymorphic ventricular tachycardia 1. Last evaluated: 2023-08-04. Review status: criteria provided, single submitter. Criteria: Invitae Variant Classification Sherloc (09022015). Collection method: clinical testing. Allele origin: germline.